The following is an entry in ClinVar:

NM_005219.5(DIAPH1):c.2414G>A (p.Arg805His)

Gene: DIAPH1 (diaphanous related formin 1; minus strand). Cytogenetic location: 5q31.3.
Variant type: single nucleotide variant.
Coding change: c.2414G>A on transcript NM_005219.5 (MANE Select); coding-DNA position 2414, G replaced by A.
Protein change: p.Arg805His; replaces arginine 805 with histidine.
Molecular consequence: missense variant.
Genome position (GRCh38, 1-based): chr5:141,571,985, C>T on the plus strand (G>A on the coding strand, the complement: DIAPH1 is on the minus strand). VCF-style: chr5-141571985-C-T. GRCh37 (hg19) VCF-style: chr5-140951552-C-T.
Other names: c.2387G>A, p.Arg796His (NM_001079812.3); c.2414G>A, p.Arg805His (NM_001314007.2); c.2414G>A (NM_005219.4); short protein forms R796H, R805H.
Identifiers: ClinVar variation 1473642 (VCV001473642.8), dbSNP rs752824698, ClinGen allele CA3479081.

ClinVar aggregate classification (germline): Uncertain significance. Review status: criteria provided, multiple submitters, no conflicts (2 of 4 stars). 3 submissions from 3 submitters: Uncertain significance (3). Last evaluated 2025-09-25.

Conditions:
Progressive microcephaly-seizures-cortical blindness-developmental delay syndrome. Also called: Seizures, cortical blindness, and microcephaly syndrome. Identifiers: Orphanet 477814, MedGen C5567650, MONDO:0014714, OMIM 616632.
Autosomal dominant nonsyndromic hearing loss 1. Also called: KONIGSMARK SYNDROME; DEAFNESS, AUTOSOMAL DOMINANT 1, WITH OR WITHOUT THROMBOCYTOPENIA. Identifiers: Orphanet 90635, MedGen C1852282, MONDO:0007424, OMIM 124900.
Inborn genetic diseases. Identifiers: MedGen C0950123, MeSH D030342.

Allele frequency attached by ClinVar (database versions not stated): ExAC 0.00002; gnomAD exomes 0.00002 and 0.00004; TOPMed 0.00002; gnomAD 0.00004.
gnomAD v4.1: 60 of 1,614,052 alleles (0.0037%); highest among the groups gnomAD compares: African/African-American, 0.0053%; 1 homozygote.

Submissions (3):

Ambry Genetics
Classification: Uncertain significance for Inborn genetic diseases. Last evaluated: 2025-09-25. Review status: criteria provided, single submitter. Criteria: Ambry Variant Classification Scheme 2023. Collection method: clinical testing. Allele origin: germline.

Labcorp Genetics (formerly Invitae), Labcorp
Classification: Uncertain significance for Progressive microcephaly-seizures-cortical blindness-developmental delay syndrome; Autosomal dominant nonsyndromic hearing loss 1. Last evaluated: 2025-04-22. Review status: criteria provided, single submitter. Criteria: Invitae Variant Classification Sherloc (09022015). Collection method: clinical testing. Allele origin: germline.
Comment: This sequence change replaces arginine, which is basic and polar, with histidine, which is basic and polar, at codon 805 of the DIAPH1 protein (p.Arg805His). This variant is present in population databases (rs752824698, gnomAD 0.01%). This variant has not been reported in the literature in individuals affected with DIAPH1-related conditions. ClinVar contains an entry for this variant (Variation ID: 1473642). An algorithm developed to predict the effect of missense changes on protein structure and function (PolyPhen-2) suggests that this variant is likely to be disruptive. In summary, the available evidence is currently insufficient to determine the role of this variant in disease. Therefore, it has been classified as a Variant of Uncertain Significance.

Department of Pathology and Laboratory Medicine, Sinai Health System
Classification: Uncertain significance for progressive microcephaly-seizures-cortical blindness-developmental delay syndrome. Last evaluated: 2021-11-09. Review status: criteria provided, single submitter. Criteria: ACMG Guidelines, 2015. Collection method: research. Allele origin: germline.